The following is an entry in ClinVar:

ClinVar aggregate classification (germline): Pathogenic/Likely pathogenic. Review status: criteria provided, multiple submitters, no conflicts (2 of 4 stars). 4 submissions from 4 submitters: Pathogenic (2); Likely pathogenic (1). 1 of the submissions does not count toward it. Last evaluated 2024-01-26.

Conditions:
3-M syndrome. Also called: 3M SYNDROME; Three M syndrome; 3-MSBN; Three-M slender-boned nanism. Identifiers: Orphanet 2616, MedGen C1848862, MONDO:0007477.
3M syndrome 1. Also called: 3-M Syndrome, CUL7-Related. Identifiers: Orphanet 2616, MedGen C2678312, MONDO:0010117, OMIM 273750.

Allele frequency attached by ClinVar (database versions not stated): ExAC 0.00001; gnomAD 0.00001; gnomAD exomes 0.00001; TOPMed 0.00001.
gnomAD v4.1: 6 of 1,614,066 alleles (0.00037%); highest among the groups gnomAD compares: Non-Finnish European, 0.00051%; no homozygotes.

Submissions (4):

Fulgent Genetics
Classification: Likely pathogenic for 3M syndrome 1. Last evaluated: 2024-01-26. Review status: criteria provided, single submitter. Criteria: ACMG Guidelines, 2015. Collection method: clinical testing. Allele origin: germline.

GeneDx
Classification: Pathogenic. Last evaluated: 2023-09-23. Review status: criteria provided, single submitter. Criteria: GeneDx Variant Classification Process June 2021. Collection method: clinical testing. Allele origin: germline. Affected: yes.
Comment: Published functional studies found this variant is associated with significantly impaired ROC1 binding and reduced E3 ubiquitin ligase complex activity (PMID: 16142236); Not observed at significant frequency in large population cohorts (gnomAD); In silico analysis supports that this missense variant has a deleterious effect on protein structure/function; This variant is associated with the following publications: (PMID: 31589614, 21554755, 24793696, 16142236, 27173435, 23900270, 32235515, 19225462)

Women's Health and Genetics/Laboratory Corporation of America, LabCorp
Classification: Pathogenic for 3-M syndrome. Last evaluated: 2022-07-15. Review status: criteria provided, single submitter. Criteria: LabCorp Variant Classification Summary - May 2015. Collection method: clinical testing. Allele origin: germline.
Comment: Variant summary: CUL7 c.4391A>C (p.His1464Pro) results in a non-conservative amino acid change located in the N-terminal domain (IPR001373) of the encoded protein sequence. Four of five in-silico tools predict a damaging effect of the variant on protein function. The variant allele was found at a frequency of 8e-06 in 251450 control chromosomes (gnomAD). c.4391A>C has been reported in the literature in multiple families with homozygous individuals affected with Three M Syndrome 1 (Huber_2005, Huber_2009). These data indicate that the variant is very likely to be associated with disease. Several publications also reported experimental evidence evaluating an impact on protein function, and demonstrated severely decreased protein interactions, and ubiquitin ligase activities (Huber_2005, Li_2014, Yan_2014). No clinical diagnostic laboratories have submitted clinical-significance assessments for this variant to ClinVar after 2014. Based on the evidence outlined above, the variant was classified as pathogenic.

OMIM
Classification: Pathogenic for THREE M SYNDROME 1. Last evaluated: 2005-10-01. Review status: no assertion criteria provided. Collection method: literature only. Allele origin: germline. Not counted in ClinVar's aggregate classification.

Literature cited by the submitters: PubMed 31589614 (cited by Women's Health and Genetics/Laboratory Corporation of America, LabCorp); PubMed 19225462 (cited by Women's Health and Genetics/Laboratory Corporation of America, LabCorp); PubMed 24793695 (cited by Women's Health and Genetics/Laboratory Corporation of America, LabCorp); PubMed 23900270 (cited by Women's Health and Genetics/Laboratory Corporation of America, LabCorp); PubMed 16142236 (cited by Women's Health and Genetics/Laboratory Corporation of America, LabCorp and OMIM); PubMed 24793696 (cited by Women's Health and Genetics/Laboratory Corporation of America, LabCorp).

NM_014780.5(CUL7):c.4391A>C (p.His1464Pro)

Gene: CUL7 (cullin 7; minus strand). Cytogenetic location: 6p21.1.
Variant type: single nucleotide variant.
Coding change: c.4391A>C on transcript NM_014780.5 (MANE Select); coding-DNA position 4391, A replaced by C.
Protein change: p.His1464Pro; replaces histidine 1464 with proline.
Molecular consequence: missense variant.
Genome position (GRCh38, 1-based): chr6:43,038,891, T>G on the plus strand (A>C on the coding strand, the complement: CUL7 is on the minus strand). VCF-style: chr6-43038891-T-G. GRCh37 (hg19) VCF-style: chr6-43006629-T-G.
Other names: c.4487A>C, p.His1496Pro (NM_001168370.2, NM_001374872.1); c.4391A>C, p.His1464Pro (NM_001374873.1); c.4388A>C, p.His1463Pro (NM_001374874.1); short protein forms H1464P, H1463P, H1496P.
Identifiers: ClinVar variation 1614 (VCV000001614.5), dbSNP rs121918229, ClinGen allele CA251899.